The following is an entry in ClinVar:

ClinVar aggregate classification (germline): Uncertain significance (1 of 4 stars; one submission).

Allele frequency attached by ClinVar (database versions not stated): gnomAD exomes below 0.00001; gnomAD 0.00001; TOPMed 0.00001.
gnomAD v4.1: 3 of 1,611,700 alleles (0.00019%); highest among the groups gnomAD compares: Non-Finnish European, 0.00025%; no homozygotes.

Submission:

Labcorp Genetics (formerly Invitae), Labcorp
Classification: Uncertain significance. Last evaluated: 2022-03-04. Review status: criteria provided, single submitter. Criteria: Invitae Variant Classification Sherloc (09022015). Collection method: clinical testing. Allele origin: germline.
Comment: This sequence change replaces cysteine, which is neutral and slightly polar, with arginine, which is basic and polar, at codon 501 of the ZNF408 protein (p.Cys501Arg). This variant is not present in population databases (gnomAD no frequency). This variant has not been reported in the literature in individuals affected with ZNF408-related conditions. ClinVar contains an entry for this variant (Variation ID: 1024763). Algorithms developed to predict the effect of missense changes on protein structure and function (SIFT, PolyPhen-2, Align-GVGD) all suggest that this variant is likely to be disruptive. In summary, the available evidence is currently insufficient to determine the role of this variant in disease. Therefore, it has been classified as a Variant of Uncertain Significance.

NM_024741.3(ZNF408):c.1501T>C (p.Cys501Arg)

Gene: ZNF408 (zinc finger protein 408; plus strand). Cytogenetic location: 11p11.2.
Variant type: single nucleotide variant.
Coding change: c.1501T>C on transcript NM_024741.3 (MANE Select); coding-DNA position 1501, T replaced by C.
Protein change: p.Cys501Arg; replaces cysteine 501 with arginine.
Molecular consequence: missense variant.
Genome position (GRCh38, 1-based): chr11:46,705,201, T>C. VCF-style: chr11-46705201-T-C. GRCh37 (hg19) VCF-style: chr11-46726751-T-C.
Other names: c.1477T>C, p.Cys493Arg (NM_001184751.2); short protein forms C493R, C501R.
Identifiers: ClinVar variation 1024763 (VCV001024763.8), dbSNP rs1260480825, ClinGen allele CA380256242.